The following is an entry in ClinVar:

ClinVar aggregate classification (germline): Pathogenic (1 of 4 stars; one submission).

Submission:

Labcorp Genetics (formerly Invitae), Labcorp
Classification: Pathogenic. Last evaluated: 2022-10-05. Review status: criteria provided, single submitter. Criteria: Invitae Variant Classification Sherloc (09022015). Collection method: clinical testing. Allele origin: germline.
Comment: For these reasons, this variant has been classified as Pathogenic. ClinVar contains an entry for this variant (Variation ID: 1076564). This variant has not been reported in the literature in individuals affected with GRM6-related conditions. This variant is not present in population databases (gnomAD no frequency). This sequence change creates a premature translational stop signal (p.Gln697Serfs*16) in the GRM6 gene. It is expected to result in an absent or disrupted protein product. Loss-of-function variants in GRM6 are known to be pathogenic (PMID: 15781871, 16622103, 22008250).

Literature cited by the submitters: PubMed 15781871; PubMed 16622103; PubMed 22008250.

NM_000843.4(GRM6):c.2088del (p.Gln697fs)

Genes: ZNF454 (zinc finger protein 454; plus strand), GRM6 (glutamate metabotropic receptor 6; minus strand). Cytogenetic location: 5q35.3.
Variant type: Deletion.
Coding change: c.2088del on transcript NM_000843.4 (MANE Select); coding-DNA position 2088, one base deleted (A; older notation c.2088delA).
Protein change: p.Gln697fs; shifts the reading frame from glutamine 697.
Molecular consequence: frameshift variant.
Genome position (GRCh38, 1-based): chr5:178,986,166, T deleted on the plus strand (A on the coding strand, the reverse complement: GRM6 is on the minus strand). VCF-style (leftmost placement, unchanged base first): chr5-178986165-GT-G. GRCh37 (hg19) VCF-style: chr5-178413166-GT-G.
Other names: short protein forms Q697fs.
Identifiers: ClinVar variation 1076564 (VCV001076564.7), dbSNP rs2113326934, ClinGen allele CA2499217798.